The following is an entry in ClinVar:

NM_006904.7(PRKDC):c.5183A>G (p.Glu1728Gly)

Gene: PRKDC (protein kinase, DNA-activated, catalytic subunit; minus strand). Cytogenetic location: 8q11.21.
Variant type: single nucleotide variant.
Coding change: c.5183A>G on transcript NM_006904.7 (MANE Select); coding-DNA position 5183, A replaced by G.
Protein change: p.Glu1728Gly; replaces glutamic acid 1728 with glycine.
Molecular consequence: missense variant.
Genome position (GRCh38, 1-based): chr8:47,879,543, T>C on the plus strand (A>G on the coding strand, the complement: PRKDC is on the minus strand). VCF-style: chr8-47879543-T-C. GRCh37 (hg19) VCF-style: chr8-48792104-T-C.
Other names: c.5183A>G, p.Glu1728Gly (NM_001081640.2); short protein forms E1728G.
Identifiers: ClinVar variation 1745867 (VCV001745867.2), dbSNP rs2551872242, ClinGen allele CA371138440.
Genomic context (GRCh38, chr8:47,879,543, plus strand): 5'-AAACTAACCTTTTTCATGCAGTCCACATAATTATTGAACCGCGGAGTTCCTGGAGGAAAT[T>C]CCCTGGACTGCATGGGGAAGTGAGCAACGATGAGCTGCTCCAGAACACGTCTAAGTTCCT-3'
Protein context (NP_008835.5, residues 1718-1738): IVAHFPMQSR[Glu1728Gly]FPPGTPRFNN

ClinVar aggregate classification (germline): Uncertain significance (1 of 4 stars; one submission).

Submission:

Ambry Genetics
Classification: Uncertain significance. Last evaluated: 2021-11-05. Review status: criteria provided, single submitter. Criteria: Ambry Variant Classification Scheme 2023. Collection method: clinical testing. Allele origin: germline.
Comment: The p.E1728G variant (also known as c.5183A>G), located in coding exon 39 of the PRKDC gene, results from an A to G substitution at nucleotide position 5183. The glutamic acid at codon 1728 is replaced by glycine, an amino acid with similar properties. This amino acid position is conserved. Since supporting evidence is limited at this time, the clinical significance of this alteration remains unclear.